The following is an entry in ClinVar:

NM_016169.4(SUFU):c.974C>T (p.Pro325Leu)

Gene: SUFU (SUFU negative regulator of hedgehog signaling; plus strand). Cytogenetic location: 10q24.32.
Variant type: single nucleotide variant.
Coding change: c.974C>T on transcript NM_016169.4 (MANE Select); coding-DNA position 974, C replaced by T.
Protein change: p.Pro325Leu; replaces proline 325 with leucine.
Molecular consequence: missense variant.
Genome position (GRCh38, 1-based): chr10:102,599,496, C>T. VCF-style: chr10-102599496-C-T. GRCh37 (hg19) VCF-style: chr10-104359253-C-T.
Other names: c.974C>T, p.Pro325Leu (NM_001178133.2); short protein forms P325L.
Identifiers: ClinVar variation 1394946 (VCV001394946.10), dbSNP rs2135888846, ClinGen allele CA377911119.

ClinVar aggregate classification (germline): Uncertain significance. Review status: criteria provided, multiple submitters, no conflicts (2 of 4 stars). 2 submissions from 2 submitters: Uncertain significance (2). Last evaluated 2025-03-25.

Conditions:
Medulloblastoma (MDB). Also called: MEDULLOBLASTOMA PREDISPOSITION SYNDROME; Medulloblastoma, somatic. Identifiers: Orphanet 616, MedGen C0025149, MeSH D008527, MONDO:0007959, OMIM 155255, HP:0002885.
Gorlin syndrome. Also called: Nevoid Basal Cell Carcinoma Syndrome; Basal cell nevus syndrome. Identifiers: Orphanet 377, MedGen C0004779, MONDO:0007187.
Hereditary cancer-predisposing syndrome. Also called: Hereditary neoplastic syndrome; Neoplastic Syndromes, Hereditary; Hereditary Cancer Syndrome; Tumor predisposition. Identifiers: Orphanet 140162, MedGen C0027672, MeSH D009386, MONDO:0015356.

Allele frequency attached by ClinVar (database versions not stated): gnomAD exomes below 0.00001.
gnomAD v4.1: 2 of 1,614,218 alleles (0.00012%); highest among the groups gnomAD compares: Middle Eastern, 0.016%; no homozygotes.

Submissions (2):

Labcorp Genetics (formerly Invitae), Labcorp
Classification: Uncertain significance for Gorlin syndrome; Medulloblastoma. Last evaluated: 2025-03-25. Review status: criteria provided, single submitter. Criteria: Invitae Variant Classification Sherloc (09022015). Collection method: clinical testing. Allele origin: germline.
Comment: This sequence change replaces proline, which is neutral and non-polar, with leucine, which is neutral and non-polar, at codon 325 of the SUFU protein (p.Pro325Leu). This variant is not present in population databases (gnomAD no frequency). This variant has not been reported in the literature in individuals affected with SUFU-related conditions. ClinVar contains an entry for this variant (Variation ID: 1394946). Invitae Evidence Modeling of protein sequence and biophysical properties (such as structural, functional, and spatial information, amino acid conservation, physicochemical variation, residue mobility, and thermodynamic stability) indicates that this missense variant is not expected to disrupt SUFU protein function with a negative predictive value of 80%. In summary, the available evidence is currently insufficient to determine the role of this variant in disease. Therefore, it has been classified as a Variant of Uncertain Significance.

Ambry Genetics
Classification: Uncertain significance for Hereditary cancer-predisposing syndrome. Last evaluated: 2021-10-19. Review status: criteria provided, single submitter. Criteria: Ambry Variant Classification Scheme 2023. Collection method: clinical testing. Allele origin: germline.
Comment: The p.P325L variant (also known as c.974C>T), located in coding exon 8 of the SUFU gene, results from a C to T substitution at nucleotide position 974. The proline at codon 325 is replaced by leucine, an amino acid with similar properties. This amino acid position is highly conserved in available vertebrate species. In addition, the in silico prediction for this alteration is inconclusive. Since supporting evidence is limited at this time, the clinical significance of this alteration remains unclear.